The following is an entry in ClinVar:

ClinVar aggregate classification (germline): Benign. Review status: criteria provided, multiple submitters, no conflicts (2 of 4 stars). 2 submissions from 2 submitters: Benign (2). Last evaluated 2018-01-13.

Conditions:
Retinitis pigmentosa (RP). Identifiers: Orphanet 791, MedGen C0035334, MeSH D012174, MONDO:0019200, OMIM 268000. Inheritance: Autosomal dominant, autosomal recessive and X linked inheritance.

Allele frequency attached by ClinVar (database versions not stated): gnomAD 0.54027 and 0.54128; TOPMed 0.55172; 1000 Genomes Project 0.59445; 1000 Genomes Project 30x 0.59650; gnomAD exomes 0.62500.
gnomAD v4.1: 82,518 of 151,954 alleles (54%); highest among the groups gnomAD compares: East Asian, 83%; 22,804 homozygotes.

Submissions (2):

Illumina Laboratory Services, Illumina
Classification: Benign for Retinitis pigmentosa. Last evaluated: 2018-01-13. Review status: criteria provided, single submitter. Criteria: ICSL Variant Classification Criteria 13 December 2019. Collection method: clinical testing. Allele origin: germline.
Comment: This variant was observed in the ICSL laboratory as part of a predisposition screen in an ostensibly healthy population. It had not been previously curated by ICSL or reported in the Human Gene Mutation Database (HGMD: prior to June 1st, 2018), and was therefore a candidate for classification through an automated scoring system. Utilizing variant allele frequency, disease prevalence and penetrance estimates, and inheritance mode, an automated score was calculated to assess if this variant is too frequent to cause the disease. Based on the score and internal cut-off values, a variant classified as benign is not then subjected to further curation. The score for this variant resulted in a classification of benign for this disease.

Breakthrough Genomics
Classification: Benign. Review status: criteria provided, single submitter. Criteria: ACMG Guidelines, 2015. Collection method: not provided. Allele origin: germline. Inheritance: Unknown mechanism. Affected: yes.

NM_001029883.3(PCARE):c.*2104T>C

Gene: PCARE (photoreceptor cilium actin regulator; minus strand). Cytogenetic location: 2p23.2.
Variant type: single nucleotide variant.
Coding change: c.*2104T>C on transcript NM_001029883.3 (MANE Select); 2104 bases downstream of the stop codon, T replaced by C.
Molecular consequence: 3 prime UTR variant.
Genome position (GRCh38, 1-based): chr2:29,062,765, A>G on the plus strand (T>C on the coding strand, the complement: PCARE is on the minus strand). VCF-style: chr2-29062765-A-G. GRCh37 (hg19) VCF-style: chr2-29285631-A-G.
Identifiers: ClinVar variation 335591 (VCV000335591.6), dbSNP rs1562391, ClinGen allele CA10613087.
Genomic context (GRCh38, chr2:29,062,765, plus strand): 5'-AGGCCCTTTACGGAAGGAGGCCTGGGCTGGAGACTCAGCCTTGCTTCCCCTCACTGCTGG[A>G]GTGGCTCCACTTCATATCCCGGTTCCAGTAATGAAAATGTGTATAATTCCTGGGGTTCCA-3'